The following is an entry in ClinVar:

NM_007294.4(BRCA1):c.2942C>A (p.Pro981Gln)

Gene: BRCA1 (BRCA1 DNA repair associated; minus strand). Cytogenetic location: 17q21.31.
Variant type: single nucleotide variant.
Coding change: c.2942C>A on transcript NM_007294.4 (MANE Select); coding-DNA position 2942, C replaced by A.
Protein change: p.Pro981Gln; replaces proline 981 with glutamine.
Molecular consequence: missense variant. On other transcripts: intron variant (137).
Genome position (GRCh38, 1-based): chr17:43,092,589, G>T on the plus strand (C>A on the coding strand, the complement: BRCA1 is on the minus strand). VCF-style: chr17-43092589-G-T. GRCh37 (hg19) VCF-style: chr17-41244606-G-T.
Other names: c.2561C>A, p.Pro854Gln (NM_001407959.1, NM_001407960.1, NM_001407963.1); c.2819C>A, p.Pro940Gln (NM_001407679.1, NM_001407683.1, NM_001407682.1 and 19 more transcripts); c.2942C>A, p.Pro981Gln (NM_001407684.1, NM_007300.4, NM_001407581.1 and 30 more transcripts); c.2558C>A, p.Pro853Gln (NM_001407962.1); c.2798C>A, p.Pro933Gln (NM_001407964.1, NM_001407943.1, NM_001407740.1 and 20 more transcripts); c.2054C>A, p.Pro685Gln (NM_001407967.1, NM_001407966.1); c.2438C>A, p.Pro813Gln (NM_001407965.1); c.2675C>A, p.Pro892Gln (NM_001407931.1, NM_001407932.1, NM_001407934.1 and 2 more transcripts); and 41 more; short protein forms P981Q, P934Q, P854Q, P870Q, P910Q, P939Q, P954Q, P853Q.
Identifiers: ClinVar variation 231209 (VCV000231209.18), dbSNP rs876659025, ClinGen allele CA10580590.

ClinVar aggregate classification (germline): Conflicting classifications of pathogenicity. Review status: criteria provided, conflicting classifications (1 of 4 stars). 4 submissions from 4 submitters: Uncertain significance (3); Likely benign (1). Last evaluated 2025-10-07.

Conditions:
Hereditary cancer-predisposing syndrome. Also called: Neoplastic Syndromes, Hereditary; Tumor predisposition; Hereditary Cancer Syndrome; Hereditary neoplastic syndrome. Identifiers: Orphanet 140162, MedGen C0027672, MeSH D009386, MONDO:0015356.
Hereditary breast ovarian cancer syndrome. Also called: BRCA1- and BRCA2-Associated Hereditary Breast and Ovarian Cancer; Hereditary breast and ovarian cancer syndrome; Hereditary breast and ovarian cancer; Hereditary breast and ovarian cancer syndrome (HBOC); Breast and ovarian cancer; Hereditary breast and/or ovarian cancer syndrome. Identifiers: Orphanet 145, MedGen C0677776, MeSH D061325, MONDO:0003582. Disease mechanism: loss of function.

Submissions (4):

Ambry Genetics
Classification: Uncertain significance for Hereditary cancer-predisposing syndrome. Last evaluated: 2025-10-07. Review status: criteria provided, single submitter. Criteria: Ambry Variant Classification Scheme 2023. Collection method: clinical testing. Allele origin: germline.
Comment: The p.P981Q variant (also known as c.2942C>A), located in coding exon 9 of the BRCA1 gene, results from a C to A substitution at nucleotide position 2942. The proline at codon 981 is replaced by glutamine, an amino acid with similar properties. This amino acid position is not well conserved in available vertebrate species, and glutamine is the reference amino acid in other vertebrate species. In addition, this alteration is predicted to be tolerated by in silico analysis. Since supporting evidence is limited at this time, the clinical significance of this alteration remains unclear.

Quest Diagnostics Nichols Institute San Juan Capistrano
Classification: Uncertain significance. Last evaluated: 2025-06-17. Review status: criteria provided, single submitter. Criteria: Quest Diagnostics criteria. Collection method: clinical testing. Allele origin: unknown.
Comment: The BRCA1 c.2942C>A (p.Pro981Gln) variant has been reported in the published literature to be located in a region of the BRCA1 gene that is tolerant to missense sequence changes (PMID: 31911673 (2020)). To the best of our knowledge, this variant has not been reported in individuals with BRCA1-related disorders. This variant has not been reported in large, multi-ethnic general populations (Genome Aggregation Database). Analysis of this variant using bioinformatics tools for the prediction of the effect of amino acid changes on protein structure and function yielded predictions that this variant is benign. Based on the available information, we are unable to determine the clinical significance of this variant.

Labcorp Genetics (formerly Invitae), Labcorp
Classification: Uncertain significance for Hereditary breast ovarian cancer syndrome. Last evaluated: 2024-12-12. Review status: criteria provided, single submitter. Criteria: Invitae Variant Classification Sherloc (09022015). Collection method: clinical testing. Allele origin: germline.
Comment: This sequence change replaces proline, which is neutral and non-polar, with glutamine, which is neutral and polar, at codon 981 of the BRCA1 protein (p.Pro981Gln). This variant is not present in population databases (gnomAD no frequency). This variant has not been reported in the literature in individuals affected with BRCA1-related conditions. ClinVar contains an entry for this variant (Variation ID: 231209). Invitae Evidence Modeling of protein sequence and biophysical properties (such as structural, functional, and spatial information, amino acid conservation, physicochemical variation, residue mobility, and thermodynamic stability) indicates that this missense variant is not expected to disrupt BRCA1 protein function with a negative predictive value of 80%. In summary, the available evidence is currently insufficient to determine the role of this variant in disease. Therefore, it has been classified as a Variant of Uncertain Significance.

University of Washington Department of Laboratory Medicine, University of Washington
Classification: Likely benign for Hereditary cancer-predisposing syndrome. Last evaluated: 2023-03-23. Review status: criteria provided, single submitter. Criteria: Dines et al. (Genet Med. 2020). Collection method: curation. Allele origin: germline.
Comment: Missense variant in a coldspot region where missense variants are very unlikely to be pathogenic (PMID:31911673).

BRCA1 coldspot (exon 11 using historical exon numbering). Reclassification based on statistical prior probability

Literature cited by the submitters: PubMed 31911673 (cited by Quest Diagnostics Nichols Institute San Juan Capistrano); PubMed 31853058 (cited by Quest Diagnostics Nichols Institute San Juan Capistrano).